The following is an entry in ClinVar:

NM_000069.3(CACNA1S):c.1878C>G (p.Ala626=)

Gene: CACNA1S (calcium voltage-gated channel subunit alpha1 S; minus strand). Cytogenetic location: 1q32.1.
Variant type: single nucleotide variant.
Coding change: c.1878C>G on transcript NM_000069.3 (MANE Select); coding-DNA position 1878, C replaced by G.
Protein change: p.Ala626=; no amino-acid change (alanine 626 retained).
Molecular consequence: synonymous variant.
Genome position (GRCh38, 1-based): chr1:201,075,565, G>C on the plus strand (C>G on the coding strand, the complement: CACNA1S is on the minus strand). VCF-style: chr1-201075565-G-C. GRCh37 (hg19) VCF-style: chr1-201044693-G-C.
Identifiers: ClinVar variation 3070144 (VCV003070144.2), dbSNP rs182607775, ClinGen allele CA078640.

ClinVar aggregate classification (germline): Likely benign. Review status: criteria provided, multiple submitters, no conflicts (2 of 4 stars). 2 submissions from 2 submitters: Likely benign (2). Last evaluated 2023-04-03.

Conditions:
Malignant hyperthermia, susceptibility to, 5 (MHS5). Also called: CACNA1S-Related Malignant Hyperthermia Susceptibility. Identifiers: Orphanet 423, MedGen C1866077, MONDO:0011163, OMIM 601887.

Allele frequency attached by ClinVar (database versions not stated): ExAC 0.00001; gnomAD 0.00001; 1000 Genomes Project 30x 0.00016; 1000 Genomes Project 0.00020.
gnomAD v4.1: 14 of 1,614,136 alleles (0.00087%); highest among the groups gnomAD compares: Non-Finnish European, 0.0012%; no homozygotes.

Submissions (2):

All of Us Research Program, National Institutes of Health
Classification: Likely benign for Malignant hyperthermia, susceptibility to, 5. Last evaluated: 2023-04-03. Review status: criteria provided, single submitter. Criteria: ACMG Guidelines, 2015. Collection method: clinical testing. Allele origin: germline. Inheritance: Autosomal dominant inheritance. Observed: 1 variant allele, 1 heterozygote.
Comment: This study involves interpretation of variants in research participants for the purpose of population health screening. Participant phenotype was not available at the time of variant classification. Additional details can be found in publication PMID: 35346344, PMCID: PMC8962531

Color Diagnostics, LLC DBA Color Health
Classification: Likely benign for Malignant hyperthermia, susceptibility to, 5. Last evaluated: 2022-11-06. Review status: criteria provided, single submitter. Criteria: ACMG Guidelines, 2015. Collection method: clinical testing. Allele origin: germline.